The following is an entry in ClinVar:

ClinVar aggregate classification (germline): Uncertain significance (1 of 4 stars; one submission).

Conditions:
3-Methylglutaconic aciduria type 2 (BTHS). Also called: Barth syndrome; CARDIOSKELETAL MYOPATHY WITH NEUTROPENIA AND ABNORMAL MITOCHONDRIA. Identifiers: Orphanet 111, MedGen C0574083, MONDO:0010543, OMIM 302060.

Submission:

Labcorp Genetics (formerly Invitae), Labcorp
Classification: Uncertain significance for 3-Methylglutaconic aciduria type 2. Last evaluated: 2023-06-28. Review status: criteria provided, single submitter. Criteria: Invitae Variant Classification Sherloc (09022015). Collection method: clinical testing. Allele origin: germline.
Comment: This sequence change replaces threonine, which is neutral and polar, with isoleucine, which is neutral and non-polar, at codon 279 of the TAZ protein (p.Thr279Ile). In summary, the available evidence is currently insufficient to determine the role of this variant in disease. Therefore, it has been classified as a Variant of Uncertain Significance. Algorithms developed to predict the effect of missense changes on protein structure and function output the following: SIFT: "Not Available"; PolyPhen-2: "Benign"; Align-GVGD: "Not Available". The isoleucine amino acid residue is found in multiple mammalian species, which suggests that this missense change does not adversely affect protein function. This variant has not been reported in the literature in individuals affected with TAZ-related conditions. This variant is not present in population databases (gnomAD no frequency).

NM_000116.5(TAFAZZIN):c.836C>T (p.Thr279Ile)

Gene: TAFAZZIN (tafazzin, phospholipid-lysophospholipid transacylase; plus strand). Cytogenetic location: Xq28.
Variant type: single nucleotide variant.
Coding change: c.836C>T on transcript NM_000116.5 (MANE Select); coding-DNA position 836, C replaced by T.
Protein change: p.Thr279Ile; replaces threonine 279 with isoleucine.
Molecular consequence: missense variant. On other transcripts: non-coding transcript variant (1).
Genome position (GRCh38, 1-based): chrX:154,420,961, C>T. VCF-style: chrX-154420961-C-T. GRCh37 (hg19) VCF-style: chrX-153649300-C-T.
Other names: c.848C>T, p.Thr283Ile (NM_001303465.2); c.800C>T, p.Thr267Ile (NM_001410698.1); c.746C>T, p.Thr249Ile (NM_181311.4); c.794C>T, p.Thr265Ile (NM_181312.4); c.704C>T, p.Thr235Ile (NM_181313.4); short protein forms T249I, T279I, T283I, T235I, T265I, T267I.
Identifiers: ClinVar variation 2716367 (VCV002716367.3), dbSNP rs2522999285, ClinGen allele CA415185784.